The following is an entry in ClinVar:

NM_024649.5(BBS1):c.724-8G>C

Genes: ZDHHC24 (zDHHC palmitoyltransferase 24; minus strand), BBS1 (Bardet-Biedl syndrome 1; plus strand). Cytogenetic location: 11q13.2.
Variant type: single nucleotide variant.
Coding change: c.724-8G>C on transcript NM_024649.5 (MANE Select); 8 bases into the intron before coding-DNA position 724, G replaced by C.
Molecular consequence: intron variant. On other transcripts: 3 prime UTR variant (1).
Genome position (GRCh38, 1-based): chr11:66,521,262, G>C. VCF-style: chr11-66521262-G-C. GRCh37 (hg19) VCF-style: chr11-66288733-G-C.
Other names: p.?; c.*226C>G (NM_001348571.2).
Identifiers: ClinVar variation 96131 (VCV000096131.31), dbSNP rs10896125, ClinGen allele CA149268.
Genomic context (GRCh38, chr11:66,521,262, plus strand): 5'-GTTACTGACAGGGCAGGGAGGGACGGGGGCTCCAGAGAAATTGGAGTGTTTGCGCTTCTT[G>C]TTTGCAGATGAGCCTTCCCAGCGTCCCCGTCTTCCTAGAGGTTTCTGGCCAGTTTGATGT-3'

ClinVar aggregate classification (germline): Benign. Review status: criteria provided, multiple submitters, no conflicts (2 of 4 stars). 15 submissions from 15 submitters: Benign (12). 3 of the submissions do not count toward it. Last evaluated 2026-02-04.

Conditions:
Bardet-Biedl syndrome (BBS). Identifiers: Orphanet 110, MedGen C0752166, MONDO:0015229.
Bardet-Biedl syndrome 1 (BBS1). Identifiers: MedGen C2936862, MONDO:0008854, OMIM 209900. Disease mechanism: loss of function.

Allele frequency attached by ClinVar (database versions not stated): ESP Exome Variant Server 0.22956; gnomAD exomes 0.23186; ExAC 0.23209; gnomAD 0.24019 and 0.24158; 1000 Genomes Project 0.24261; 1000 Genomes Project 30x 0.24188; TOPMed 0.22300.
gnomAD v4.1: 384,094 of 1,611,188 alleles (24%); highest among the groups gnomAD compares: East Asian, 26%; 47,428 homozygotes.

Submissions (15):

Labcorp Genetics (formerly Invitae), Labcorp
Classification: Benign for Bardet-Biedl syndrome. Last evaluated: 2026-02-04. Review status: criteria provided, single submitter. Criteria: Invitae Variant Classification Sherloc (09022015). Collection method: clinical testing. Allele origin: germline.

Blueprint Genetics
Classification: Benign. Last evaluated: 2024-11-27. Review status: criteria provided, single submitter. Criteria: ACMG Guidelines, 2015. Collection method: clinical testing. Allele origin: germline.

Mayo Clinic Laboratories, Mayo Clinic
Classification: Benign. Last evaluated: 2022-03-09. Review status: criteria provided, single submitter. Criteria: ACMG Guidelines, 2015. Collection method: clinical testing. Allele origin: germline. Observed: 28 variant alleles.

Genome-Nilou Lab
Classification: Benign for Bardet-Biedl syndrome 1. Last evaluated: 2021-07-10. Review status: criteria provided, single submitter. Criteria: ACMG Guidelines, 2015. Collection method: clinical testing. Allele origin: germline. Affected: no.

GeneDx
Classification: Benign. Last evaluated: 2018-11-10. Review status: criteria provided, single submitter. Criteria: GeneDx Variant Classification Process June 2021. Collection method: clinical testing. Allele origin: germline. Affected: yes.

Illumina Laboratory Services, Illumina
Classification: Benign for Bardet-Biedl syndrome 1. Last evaluated: 2018-01-13. Review status: criteria provided, single submitter. Criteria: ICSL Variant Classification Criteria 13 December 2019. Collection method: clinical testing. Allele origin: germline.
Comment: This variant was observed in the ICSL laboratory as part of a predisposition screen in an ostensibly healthy population. It had not been previously curated by ICSL or reported in the Human Gene Mutation Database (HGMD: prior to June 1st, 2018), and was therefore a candidate for classification through an automated scoring system. Utilizing variant allele frequency, disease prevalence and penetrance estimates, and inheritance mode, an automated score was calculated to assess if this variant is too frequent to cause the disease. Based on the score and internal cut-off values, a variant classified as benign is not then subjected to further curation. The score for this variant resulted in a classification of benign for this disease.

Athena Diagnostics
Classification: Benign for Bardet-Biedl syndrome 1. Last evaluated: 2017-06-02. Review status: criteria provided, single submitter. Criteria: Athena Diagnostics Criteria. Collection method: clinical testing. Allele origin: germline.

Clinical Genetics DNA and cytogenetics Diagnostics Lab, Erasmus MC, Erasmus Medical Center
Classification: Benign for Bardet-Biedl syndrome 1. Last evaluated: 2015-09-21. Review status: criteria provided, single submitter. Criteria: ACGS Guidelines, 2013. Collection method: clinical testing. Allele origin: germline. Affected: yes. Study: VKGL Data-share Consensus.

Genome Diagnostics Laboratory, University Medical Center Utrecht
Classification: Benign for Bardet-Biedl syndrome 1. Last evaluated: 2014-10-09. Review status: criteria provided, single submitter. Criteria: ACGS Guidelines, 2013. Collection method: clinical testing. Allele origin: germline. Affected: yes. Study: VKGL Data-share Consensus.

Eurofins Ntd Llc (ga)
Classification: Benign. Last evaluated: 2013-08-09. Review status: criteria provided, single submitter. Criteria: EGL Classification Definitions 2015. Collection method: clinical testing. Allele origin: germline. Observed: 2 variant alleles, 2 heterozygotes.

Breakthrough Genomics
Classification: Benign. Review status: criteria provided, single submitter. Criteria: ACMG Guidelines, 2015. Collection method: not provided. Allele origin: germline. Inheritance: Autosomal recessive inheritance. Affected: yes.

PreventionGenetics, part of Exact Sciences
Classification: Benign. Review status: criteria provided, single submitter. Criteria: ACMG Guidelines, 2015. Collection method: clinical testing. Allele origin: germline.

Natera, Inc.
Classification: Benign for Bardet-Biedl syndrome type 1. Last evaluated: 2020-09-16. Review status: no assertion criteria provided. Collection method: clinical testing. Allele origin: germline. Not counted in ClinVar's aggregate classification.

Diagnostic Laboratory, Department of Genetics, University Medical Center Groningen
Classification: Benign for Bardet-Biedl syndrome 1. Review status: no assertion criteria provided. Collection method: clinical testing. Allele origin: germline. Affected: yes. Study: VKGL Data-share Consensus. Not counted in ClinVar's aggregate classification.

Joint Genome Diagnostic Labs from Nijmegen and Maastricht, Radboudumc and MUMC+
Classification: Benign. Review status: no assertion criteria provided. Collection method: clinical testing. Allele origin: germline. Affected: yes. Study: VKGL Data-share Consensus. Not counted in ClinVar's aggregate classification.